The following is an entry in ClinVar:

ClinVar aggregate classification (germline): Benign/Likely benign. Review status: criteria provided, multiple submitters, no conflicts (2 of 4 stars). 10 submissions from 10 submitters: Benign (6); Likely benign (2). 2 of the submissions do not count toward it. Last evaluated 2026-01-31.

Conditions:
ALK-related disorder. Also called: ALK-related condition.
Hereditary cancer-predisposing syndrome. Also called: Tumor predisposition; Hereditary neoplastic syndrome; Neoplastic Syndromes, Hereditary; Hereditary Cancer Syndrome. Identifiers: Orphanet 140162, MedGen C0027672, MeSH D009386, MONDO:0015356.
Ovarian cancer. Also called: OVARIAN CANCER, SOMATIC. Identifiers: Orphanet 213500, MedGen C1140680, MONDO:0008170, OMIM 167000.
Neuroblastoma, susceptibility to, 3. Also called: ALK-Related Neuroblastic Tumor Susceptibility. Identifiers: Orphanet 635, MedGen C2751681, MONDO:0013083, OMIM 613014.

Allele frequency attached by ClinVar (database versions not stated): gnomAD exomes 0.00008 and 0.00026; gnomAD 0.00011 and 0.00012; TOPMed 0.00016; ExAC 0.00029; 1000 Genomes Project 0.00060; 1000 Genomes Project 30x 0.00062.
gnomAD v4.1: 156 of 1,614,168 alleles (0.0097%); highest among the groups gnomAD compares: East Asian, 0.29%; no homozygotes.

Submissions (10):

Labcorp Genetics (formerly Invitae), Labcorp
Classification: Benign for Neuroblastoma, susceptibility to, 3. Last evaluated: 2026-01-31. Review status: criteria provided, single submitter. Criteria: Invitae Variant Classification Sherloc (09022015). Collection method: clinical testing. Allele origin: germline.

ARUP Laboratories, Molecular Genetics and Genomics, ARUP Laboratories
Classification: Likely benign for Neuroblastoma, susceptibility to, 3. Last evaluated: 2025-02-26. Review status: criteria provided, single submitter. Criteria: ARUP Molecular Germline Variant Investigation Process 2024. Collection method: clinical testing. Allele origin: germline.

Blueprint Genetics
Classification: Likely benign. Last evaluated: 2024-09-13. Review status: criteria provided, single submitter. Criteria: ACMG Guidelines, 2015. Collection method: clinical testing. Allele origin: germline.

Ambry Genetics
Classification: Benign for Hereditary cancer-predisposing syndrome. Last evaluated: 2024-06-25. Review status: criteria provided, single submitter. Criteria: Ambry Variant Classification Scheme 2023. Collection method: clinical testing. Allele origin: germline.

Laboratory of Molecular Epidemiology of Birth Defects, West China Second University Hospital, Sichuan University
Classification: Benign for Ovarian cancer. Last evaluated: 2022-01-01. Review status: criteria provided, single submitter. Criteria: ACMG Guidelines, 2015. Collection method: clinical testing. Allele origin: germline. Affected: yes.

Sema4
Classification: Benign for Hereditary cancer-predisposing syndrome. Last evaluated: 2020-12-16. Review status: criteria provided, single submitter. Criteria: Sema4 Curation Guidelines. Collection method: curation. Allele origin: germline.

Women's Health and Genetics/Laboratory Corporation of America, LabCorp
Classification: Benign. Last evaluated: 2018-07-03. Review status: criteria provided, single submitter. Criteria: LabCorp Variant Classification Summary - May 2015. Collection method: clinical testing. Allele origin: germline.
Comment: Variant summary: ALK c.1111G>A (p.Ala371Thr) results in a non-conservative amino acid change located in the MAM domain of the encoded protein sequence. Three of five in-silico tools predict a benign effect of the variant on protein function. The observed variant frequency within East Asian control individuals in the gnomAD database is approximately 8640-folds higher than the estimated maximal expected allele frequency for a pathogenic variant in ALK causing Neuroblastoma, Susceptibility Type 3 phenotype (4.2e-07), strongly suggesting that the variant is a benign polymorphism found primarily in populations of East Asian origin. The variant, c.1111G>A, has been reported in the literature in an individual diagnosed with Ewing's sarcoma (Zhang_2015). Co-occurrences with other pathogenic variant(s) have been reported (NF2 c.586C>T, p.Arg196X). To our knowledge, no experimental evidence demonstrating an impact on protein function has been reported. Two ClinVar submissions from clinical diagnostic laboratories (evaluation after 2014) cite the variant as "likely benign." Based on the evidence outlined above, the variant was classified as benign.

Illumina Laboratory Services, Illumina
Classification: Benign for Neuroblastoma, susceptibility to, 3. Last evaluated: 2018-01-13. Review status: criteria provided, single submitter. Criteria: ICSL Variant Classification Criteria 13 December 2019. Collection method: clinical testing. Allele origin: germline.
Comment: This variant was observed in the ICSL laboratory as part of a predisposition screen in an ostensibly healthy population. It had not been previously curated by ICSL or reported in the Human Gene Mutation Database (HGMD: prior to June 1st, 2018), and was therefore a candidate for classification through an automated scoring system. Utilizing variant allele frequency, disease prevalence and penetrance estimates, and inheritance mode, an automated score was calculated to assess if this variant is too frequent to cause the disease. Based on the score and internal cut-off values, a variant classified as benign is not then subjected to further curation. The score for this variant resulted in a classification of benign for this disease.

PreventionGenetics, part of Exact Sciences
Classification: Likely benign for ALK-related condition. Last evaluated: 2020-11-10. Review status: no assertion criteria provided. Collection method: clinical testing. Allele origin: germline. Not counted in ClinVar's aggregate classification.
Comment: This variant is classified as likely benign based on ACMG/AMP sequence variant interpretation guidelines (Richards et al. 2015 PMID: 25741868, with internal and published modifications).

ITMI
No classification provided. Condition: AllHighlyPenetrant. Last evaluated: 2013-09-19. Review status: no classification provided. Collection method: reference population. Allele origin: germline. Not counted in ClinVar's aggregate classification.
Comment: Please see associated publication for description of ethnicities

Literature cited by the submitters: PubMed 26580448 (cited by Women's Health and Genetics/Laboratory Corporation of America, LabCorp); PubMed 24728327 (cited by ITMI).

NM_004304.5(ALK):c.1111G>A (p.Ala371Thr)

Gene: ALK (ALK receptor tyrosine kinase; minus strand). Cytogenetic location: 2p23.2.
Variant type: single nucleotide variant.
Coding change: c.1111G>A on transcript NM_004304.5 (MANE Select); coding-DNA position 1111, G replaced by A.
Protein change: p.Ala371Thr; replaces alanine 371 with threonine.
Molecular consequence: missense variant.
Genome position (GRCh38, 1-based): chr2:29,531,958, C>T on the plus strand (G>A on the coding strand, the complement: ALK is on the minus strand). VCF-style: chr2-29531958-C-T. GRCh37 (hg19) VCF-style: chr2-29754824-C-T.
Other names: short protein forms A371T.
Identifiers: ClinVar variation 133483 (VCV000133483.23), dbSNP rs149968229, ClinGen allele CA156665.